The following is an entry in ClinVar:

ClinVar aggregate classification (germline): Pathogenic (1 of 4 stars; one submission).

Conditions:
Tuberous sclerosis 2 (TSC2). Identifiers: Orphanet 805, MedGen C1860707, MONDO:0013199, OMIM 613254.

Submission:

Labcorp Genetics (formerly Invitae), Labcorp
Classification: Pathogenic for Tuberous sclerosis 2. Last evaluated: 2021-09-26. Review status: criteria provided, single submitter. Criteria: Invitae Variant Classification Sherloc (09022015). Collection method: clinical testing. Allele origin: germline.
Comment: For these reasons, this variant has been classified as Pathogenic. This variant disrupts a region of the TSC2 protein in which other variant(s) (p.Trp1740*) have been determined to be pathogenic (PMID: 12136241; Invitae). This suggests that this is a clinically significant region of the protein, and that variants that disrupt it are likely to be disease-causing. Algorithms developed to predict the effect of sequence changes on RNA splicing suggest that this variant may create or strengthen a splice site. This variant has not been reported in the literature in individuals affected with TSC2-related conditions. This variant is not present in population databases (ExAC no frequency). This sequence change results in a frameshift in the TSC2 gene (p.His1726Cysfs*101). While this is not anticipated to result in nonsense mediated decay, it is expected to disrupt the last 82 amino acid(s) of the TSC2 protein and extend the protein by 18 additional amino acid residues.

Literature cited by the submitters: PubMed 12136241.

NM_000548.5(TSC2):c.5174_5175dup (p.His1726fs)

Gene: TSC2 (TSC complex subunit 2; plus strand). Cytogenetic location: 16p13.3.
Variant type: Duplication.
Coding change: c.5174_5175dup on transcript NM_000548.5 (MANE Select); coding-DNA positions 5174 to 5175, 2 bases duplicated (TG; older notation c.5174_5175dupTG).
Protein change: p.His1726fs; shifts the reading frame from histidine 1726.
Molecular consequence: frameshift variant.
Genome position (GRCh38, 1-based): chr16:2,088,240-2,088,241, TG duplicated; duplicating any 2 consecutive bases within chr16:2,088,239-2,088,241 gives the same sequence; the c. name uses the placement nearest the transcript's 3' end. VCF-style (leftmost placement, unchanged base first): chr16-2088238-G-GGT. GRCh37 (hg19) VCF-style: chr16-2138239-G-GGT.
Other names: c.4976_4977dup, p.His1660fs (NM_001363528.2); c.5042_5043dup, p.His1682fs (NM_001370404.1); c.5033_5034dup, p.His1679fs (NM_001370405.1); c.5045_5046dup, p.His1683fs (NM_021055.3); c.4973_4974dup, p.His1659fs (NM_001077183.3); c.5105_5106dup, p.His1703fs (NM_001114382.3); c.4865_4866dup, p.His1623fs (NM_001318827.2); c.4829_4830dup, p.His1611fs (NM_001318829.2); and 2 more; short protein forms H1660fs, H1679fs, H1683fs, H1726fs, H1682fs, H1703fs, H1611fs, H1659fs.
Identifiers: ClinVar variation 1425807 (VCV001425807.6), dbSNP rs2151628196, ClinGen allele CA2573151979.